The following is an entry in ClinVar:

ClinVar aggregate classification (germline): Likely pathogenic (1 of 4 stars; one submission).

Conditions:
PORCN-Related Developmental Disorders. Identifiers: MedGen CN381065.

Submission:

Rady Children's Institute for Genomic Medicine, Rady Children's Hospital San Diego
Classification: Likely pathogenic for PORCN-related developmental disorders. Last evaluated: 2025-08-12. Review status: criteria provided, single submitter. Criteria: ACMG Guidelines, 2015. Collection method: clinical testing. Allele origin: germline. Affected: yes.
Comment: This variant affects the canonical splice donor site of intron 9 and is therefore predicted to interfere with splicing. This splice site is adjacent to an in-frame exon; in-frame skipping of this exon would remove <10% of the protein. The c.845+2T>G variant is absent from the latest version of the gnomAD population database and thus is presumed to be rare. Based on parental analysis, this variant likely occurred as a de novo event. Based on the available evidence, c.845+2T>G is classified as Likely Pathogenic.

Literature cited by the submitters: PubMed 20301712; PubMed 21472892; PubMed 26853229.

NM_203475.3(PORCN):c.845+2T>G

Gene: PORCN (porcupine O-acyltransferase; plus strand). Cytogenetic location: Xp11.23.
Variant type: single nucleotide variant.
Coding change: c.845+2T>G on transcript NM_203475.3 (MANE Select); the canonical splice donor site of the intron after coding-DNA position 845, T replaced by G.
Molecular consequence: splice donor variant.
Genome position (GRCh38, 1-based): chrX:48,514,367, T>G. VCF-style: chrX-48514367-T-G. GRCh37 (hg19) VCF-style: chrX-48372755-T-G.
Other names: c.1169+2T>G (NM_001441333.1); c.1151+2T>G (NM_001441334.1); c.1004+2T>G (NM_001441336.1); c.917+2T>G (NM_001441335.1); c.599+2T>G (NM_001282167.2); c.830+2T>G (NM_203473.3); c.812+2T>G (NM_022825.4); c.827+2T>G (NM_203474.1).
Identifiers: ClinVar variation 4814226 (VCV004814226.1).